The following is an entry in ClinVar:

NM_024675.4(PALB2):c.28A>G (p.Ser10Gly)

Gene: PALB2 (partner and localizer of BRCA2; minus strand). Cytogenetic location: 16p12.2.
Variant type: single nucleotide variant.
Coding change: c.28A>G on transcript NM_024675.4 (MANE Select); coding-DNA position 28, A replaced by G.
Protein change: p.Ser10Gly; replaces serine 10 with glycine.
Molecular consequence: missense variant. On other transcripts: 5 prime UTR variant (10).
Genome position (GRCh38, 1-based): chr16:23,641,130, T>C on the plus strand (A>G on the coding strand, the complement: PALB2 is on the minus strand). VCF-style: chr16-23641130-T-C. GRCh37 (hg19) VCF-style: chr16-23652451-T-C.
Other names: c.28A>G, p.Ser10Gly (NM_001407296.1, NM_001407297.1, NM_001407298.1 and 5 more transcripts); c.-1716A>G (NM_001407304.1, NM_001407310.1); c.-992A>G (NM_001407305.1, NM_001407307.1, NM_001407309.1 and 1 more transcripts); c.-841A>G (NM_001407306.1, NM_001407308.1); c.-125A>G (NM_001407312.1, NM_001407313.1); short protein forms S10G.
Identifiers: ClinVar variation 2567557 (VCV002567557.2), dbSNP rs2142481164, ClinGen allele CA395141127.
Genomic context (GRCh38, chr16:23,641,130, plus strand): 5'-GGTCAGAGTCCTGCGTCCGCCCTTCCCGCACCCCCGGCACCTTTTCCTTCTCCTCACAGC[T>C]GAGGGGCTTCCCGGGAGGCTCGTCCATCGGGCAGGCGACAGAACGAAAAGAGCAGCCGTC-3'
Protein context (NP_078951.2, residues 1-20): MDEPPGKPL[Ser10Gly]CEEKEKLKEK

ClinVar aggregate classification (germline): Uncertain significance (1 of 4 stars; one submission).

Conditions:
Hereditary cancer-predisposing syndrome. Also called: Hereditary neoplastic syndrome; Hereditary Cancer Syndrome; Neoplastic Syndromes, Hereditary; Tumor predisposition. Identifiers: Orphanet 140162, MedGen C0027672, MeSH D009386, MONDO:0015356.

Submission:

Ambry Genetics
Classification: Uncertain significance for Hereditary cancer-predisposing syndrome. Last evaluated: 2023-04-14. Review status: criteria provided, single submitter. Criteria: Ambry Variant Classification Scheme 2023. Collection method: clinical testing. Allele origin: germline.
Comment: The p.S10G variant (also known as c.28A>G), located in coding exon 1 of the PALB2 gene, results from an A to G substitution at nucleotide position 28. The serine at codon 10 is replaced by glycine, an amino acid with similar properties. This amino acid position is highly conserved in available vertebrate species. In addition, this alteration is predicted to be tolerated by in silico analysis. Since supporting evidence is limited at this time, the clinical significance of this alteration remains unclear.